The following is an entry in ClinVar:

NM_004260.4(RECQL4):c.2210C>T (p.Pro737Leu)

Gene: RECQL4 (RecQ like helicase 4; minus strand). Cytogenetic location: 8q24.3.
Variant type: single nucleotide variant.
Coding change: c.2210C>T on transcript NM_004260.4 (MANE Select); coding-DNA position 2210, C replaced by T.
Protein change: p.Pro737Leu; replaces proline 737 with leucine.
Molecular consequence: missense variant.
Genome position (GRCh38, 1-based): chr8:144,513,471, G>A on the plus strand (C>T on the coding strand, the complement: RECQL4 is on the minus strand). VCF-style: chr8-144513471-G-A. GRCh37 (hg19) VCF-style: chr8-145738855-G-A.
Other names: short protein forms P737L.
Identifiers: ClinVar variation 961195 (VCV000961195.7), dbSNP rs773886849, ClinGen allele CA187683186.

ClinVar aggregate classification (germline): Uncertain significance. Review status: criteria provided, multiple submitters, no conflicts (2 of 4 stars). 2 submissions from 2 submitters: Uncertain significance (2). Last evaluated 2025-11-09.

Conditions:
Inborn genetic diseases. Identifiers: MedGen C0950123, MeSH D030342.
Baller-Gerold syndrome (BGS). Also called: CRANIOSYNOSTOSIS WITH RADIAL DEFECTS. Identifiers: Orphanet 1225, MedGen C0265308, MONDO:0009039, OMIM 218600.

Allele frequency attached by ClinVar (database versions not stated): gnomAD 0.00001; TOPMed 0.00001.
gnomAD v4.1: 2 of 1,609,754 alleles (0.00012%); highest among the groups gnomAD compares: African/African-American, 0.0027%; no homozygotes.

Submissions (2):

Labcorp Genetics (formerly Invitae), Labcorp
Classification: Uncertain significance for Baller-Gerold syndrome. Last evaluated: 2025-11-09. Review status: criteria provided, single submitter. Criteria: Invitae Variant Classification Sherloc (09022015). Collection method: clinical testing. Allele origin: germline.
Comment: This sequence change replaces proline, which is neutral and non-polar, with leucine, which is neutral and non-polar, at codon 737 of the RECQL4 protein (p.Pro737Leu). This variant is present in population databases (no rsID available, gnomAD 0.01%). This variant has not been reported in the literature in individuals affected with RECQL4-related conditions. ClinVar contains an entry for this variant (Variation ID: 961195). Invitae Evidence Modeling of protein sequence and biophysical properties (such as structural, functional, and spatial information, amino acid conservation, physicochemical variation, residue mobility, and thermodynamic stability) indicates that this missense variant is not expected to disrupt RECQL4 protein function with a negative predictive value of 80%. In summary, the available evidence is currently insufficient to determine the role of this variant in disease. Therefore, it has been classified as a Variant of Uncertain Significance.

Ambry Genetics
Classification: Uncertain significance for Inborn genetic diseases. Last evaluated: 2025-08-10. Review status: criteria provided, single submitter. Criteria: Ambry Variant Classification Scheme 2023. Collection method: clinical testing. Allele origin: germline.
Comment: The p.P737L variant (also known as c.2210C>T), located in coding exon 14 of the RECQL4 gene, results from a C to T substitution at nucleotide position 2210. The proline at codon 737 is replaced by leucine, an amino acid with similar properties. This amino acid position is conserved. In addition, this alteration is predicted to be tolerated by in silico analysis. Based on the available evidence, the clinical significance of this variant remains unclear.